The following is an entry in ClinVar:

ClinVar aggregate classification (germline): Uncertain significance. Review status: criteria provided, multiple submitters, no conflicts (2 of 4 stars). 3 submissions from 3 submitters: Uncertain significance (3). Last evaluated 2025-01-24.

Conditions:
Inborn genetic diseases. Identifiers: MedGen C0950123, MeSH D030342.

gnomAD v4.1: 112 of 1,614,004 alleles (0.0069%); highest among the groups gnomAD compares: Non-Finnish European, 0.0092%; no homozygotes.

Submissions (3):

Ambry Genetics
Classification: Uncertain significance for Inborn genetic diseases. Last evaluated: 2025-01-24. Review status: criteria provided, single submitter. Criteria: Ambry Variant Classification Scheme 2023. Collection method: clinical testing. Allele origin: germline.

Labcorp Genetics (formerly Invitae), Labcorp
Classification: Uncertain significance. Last evaluated: 2024-08-31. Review status: criteria provided, single submitter. Criteria: Invitae Variant Classification Sherloc (09022015). Collection method: clinical testing. Allele origin: germline.
Comment: This sequence change replaces proline, which is neutral and non-polar, with leucine, which is neutral and non-polar, at codon 64 of the FOXC2 protein (p.Pro64Leu). This variant is present in population databases (rs369622966, gnomAD 0.004%). This variant has not been reported in the literature in individuals affected with FOXC2-related conditions. An algorithm developed to predict the effect of missense changes on protein structure and function (PolyPhen-2) suggests that this variant is likely to be disruptive. In summary, the available evidence is currently insufficient to determine the role of this variant in disease. Therefore, it has been classified as a Variant of Uncertain Significance.

Women's Health and Genetics/Laboratory Corporation of America, LabCorp
Classification: Uncertain significance. Last evaluated: 2024-07-30. Review status: criteria provided, single submitter. Criteria: LabCorp Variant Classification Summary - May 2015. Collection method: clinical testing. Allele origin: germline.
Comment: Variant summary: FOXC2 c.191C>T (p.Pro64Leu) results in a non-conservative amino acid change in the encoded protein sequence. Four of five in-silico tools predict a damaging effect of the variant on protein function. The variant allele was found at a frequency of 2e-05 in 251284 control chromosomes. The available data on variant occurrences in the general population are insufficient to allow any conclusion about variant significance. To our knowledge, no occurrence of c.191C>T in individuals affected with Distichiasis-Lymphedema Syndrome and no experimental evidence demonstrating its impact on protein function have been reported. No submitters have cited clinical-significance assessments for this variant to ClinVar. Based on the evidence outlined above, the variant was classified as uncertain significance.

NM_005251.3(FOXC2):c.191C>T (p.Pro64Leu)

Genes: FOXC2 (forkhead box C2; plus strand), FOXC2-AS1 (FOXC2 antisense RNA 1; minus strand). Cytogenetic location: 16q24.1.
Variant type: single nucleotide variant.
Coding change: c.191C>T on transcript NM_005251.3 (MANE Select); coding-DNA position 191, C replaced by T.
Protein change: p.Pro64Leu; replaces proline 64 with leucine.
Molecular consequence: missense variant.
Genome position (GRCh38, 1-based): chr16:86,567,526, C>T. VCF-style: chr16-86567526-C-T. GRCh37 (hg19) VCF-style: chr16-86601132-C-T.
Other names: c.191C>T (NM_005251.2); short protein forms P64L.
Identifiers: ClinVar variation 3338913 (VCV003338913.3).